The following is an entry in ClinVar:

NM_138694.4(PKHD1):c.5385C>T (p.Ser1795=)

Gene: PKHD1 (PKHD1 ciliary IPT domain containing fibrocystin/polyductin; minus strand). Cytogenetic location: 6p12.2.
Variant type: single nucleotide variant.
Coding change: c.5385C>T on transcript NM_138694.4 (MANE Select); coding-DNA position 5385, C replaced by T.
Protein change: p.Ser1795=; no amino-acid change (serine 1795 retained).
Molecular consequence: synonymous variant.
Genome position (GRCh38, 1-based): chr6:52,017,625, G>A on the plus strand (C>T on the coding strand, the complement: PKHD1 is on the minus strand). VCF-style: chr6-52017625-G-A. GRCh37 (hg19) VCF-style: chr6-51882423-G-A.
Other names: c.5385C>T, p.Ser1795= (NM_170724.3); c.5385C>T (NM_138694.3).
Identifiers: ClinVar variation 1138949 (VCV001138949.11), dbSNP rs772277538, ClinGen allele CA3852521.

ClinVar aggregate classification (germline): Likely benign. Review status: criteria provided, single submitter (1 of 4 stars). 2 submissions from 2 submitters: Likely benign (1). 1 of the submissions does not count toward it. Last evaluated 2025-12-11.

Conditions:
Autosomal recessive polycystic kidney disease (ARPKD). Also called: AR polycystic kidney disease. Identifiers: Orphanet 731, Orphanet 8378, MedGen C0085548, MeSH D017044, MONDO:0009889.
PKHD1-related disorder. Also called: PKHD1-related condition.

Allele frequency attached by ClinVar (database versions not stated): gnomAD exomes 0.00001 and 0.00003; ExAC 0.00002; TOPMed 0.00002.
gnomAD v4.1: 11 of 1,612,050 alleles (0.00068%); highest among the groups gnomAD compares: Admixed American, 0.018%; no homozygotes.

Submissions (2):

Labcorp Genetics (formerly Invitae), Labcorp
Classification: Likely benign for Autosomal recessive polycystic kidney disease. Last evaluated: 2025-12-11. Review status: criteria provided, single submitter. Criteria: Invitae Variant Classification Sherloc (09022015). Collection method: clinical testing. Allele origin: germline.

PreventionGenetics, part of Exact Sciences
Classification: Likely benign for PKHD1-related condition. Last evaluated: 2021-04-01. Review status: no assertion criteria provided. Collection method: clinical testing. Allele origin: germline. Not counted in ClinVar's aggregate classification.
Comment: This variant is classified as likely benign based on ACMG/AMP sequence variant interpretation guidelines (Richards et al. 2015 PMID: 25741868, with internal and published modifications).